The following is an entry in ClinVar:

ClinVar aggregate classification (germline): Pathogenic (1 of 4 stars; one submission).

Conditions:
Cardiovascular phenotype. Identifiers: MedGen CN230736.
Hereditary cancer-predisposing syndrome. Also called: Hereditary Cancer Syndrome; Hereditary neoplastic syndrome; Neoplastic Syndromes, Hereditary; Tumor predisposition. Identifiers: Orphanet 140162, MedGen C0027672, MeSH D009386, MONDO:0015356.

Submission:

Ambry Genetics
Classification: Pathogenic for Cardiovascular phenotype; Hereditary cancer-predisposing syndrome. Last evaluated: 2017-08-14. Review status: criteria provided, single submitter. Criteria: Ambry Variant Classification Scheme 2023. Collection method: clinical testing. Allele origin: germline.
Comment: The c.4372_4373delTT pathogenic mutation, located in coding exon 33 of the NF1 gene, results from a deletion of two nucleotides at nucleotide positions 4372 to 4373, causing a translational frameshift with a predicted alternate stop codon (p.F1458Pfs*2). This alteration is expected to result in loss of function by premature protein truncation or nonsense-mediated mRNA decay. As such, this alteration is interpreted as a disease-causing mutation.

NM_001042492.3(NF1):c.4435_4436del (p.Phe1479fs)

Gene: NF1 (neurofibromin 1; plus strand). Cytogenetic location: 17q11.2.
Variant type: Deletion.
Coding change: c.4435_4436del on transcript NM_001042492.3 (MANE Select); coding-DNA positions 4435 to 4436, 2 bases deleted (TT; older notation c.4435_4436delTT).
Protein change: p.Phe1479fs; shifts the reading frame from phenylalanine 1479.
Molecular consequence: frameshift variant.
Genome position (GRCh38, 1-based): chr17:31,260,373-31,260,374, TT deleted; deleting any 2 consecutive bases within chr17:31,260,370-31,260,374 gives the same sequence; the c. name uses the placement nearest the transcript's 3' end. VCF-style (leftmost placement, unchanged base first): chr17-31260369-GTT-G. GRCh37 (hg19) VCF-style: chr17-29587387-GTT-G.
Other names: c.4372_4373delTT (NM_000267.3); c.4372_4373delTT, p.Phe1458Profs (NM_000267.4); short protein forms F1458fs, F1479fs.
Identifiers: ClinVar variation 1740099 (VCV001740099.2), dbSNP rs1555618803, ClinGen allele CA2580093070.